The following is an entry in ClinVar:

ClinVar aggregate classification (germline): Uncertain significance (1 of 4 stars; one submission).

Conditions:
Neuronal ceroid lipofuscinosis 11. Also called: GRN-Related Neuronal Ceroid-Lipofuscinosis. Identifiers: Orphanet 314629, Orphanet 79262, MedGen C3539123, MONDO:0013866, OMIM 614706.
GRN-related frontotemporal lobar degeneration with Tdp43 inclusions (FTD2). Also called: DEMENTIA, HEREDITARY DYSPHASIC DISINHIBITION; FRONTOTEMPORAL LOBAR DEGENERATION WITH UBIQUITIN-POSITIVE INCLUSIONS; FTLD-TDP, GRN-RELATED; GRN Frontotemporal Dementia; FRONTOTEMPORAL DEMENTIA WITH TDP43 INCLUSIONS, GRN-RELATED. Identifiers: Orphanet 100070, Orphanet 282, MedGen C1843792, MONDO:0011842, OMIM 607485. Disease mechanism: loss of function.

Allele frequency attached by ClinVar (database versions not stated): gnomAD exomes below 0.00001; ExAC 0.00001; TOPMed 0.00001.

Submission:

Labcorp Genetics (formerly Invitae), Labcorp
Classification: Uncertain significance for Neuronal ceroid lipofuscinosis 11; GRN-related frontotemporal lobar degeneration with Tdp43 inclusions. Last evaluated: 2022-05-31. Review status: criteria provided, single submitter. Criteria: Invitae Variant Classification Sherloc (09022015). Collection method: clinical testing. Allele origin: germline.
Comment: This sequence change replaces aspartic acid, which is acidic and polar, with valine, which is neutral and non-polar, at codon 217 of the GRN protein (p.Asp217Val). This variant is present in population databases (rs765161650, gnomAD 0.006%). This variant has not been reported in the literature in individuals affected with GRN-related conditions. Algorithms developed to predict the effect of missense changes on protein structure and function are either unavailable or do not agree on the potential impact of this missense change (SIFT: "Deleterious"; PolyPhen-2: "Probably Damaging"; Align-GVGD: "Class C0"). In summary, the available evidence is currently insufficient to determine the role of this variant in disease. Therefore, it has been classified as a Variant of Uncertain Significance.

NM_002087.4(GRN):c.650A>T (p.Asp217Val)

Gene: GRN (granulin precursor; plus strand). Cytogenetic location: 17q21.31.
Variant type: single nucleotide variant.
Coding change: c.650A>T on transcript NM_002087.4 (MANE Select); coding-DNA position 650, A replaced by T.
Protein change: p.Asp217Val; replaces aspartic acid 217 with valine.
Molecular consequence: missense variant.
Genome position (GRCh38, 1-based): chr17:44,350,742, A>T. VCF-style: chr17-44350742-A-T. GRCh37 (hg19) VCF-style: chr17-42428110-A-T.
Other names: short protein forms D217V.
Identifiers: ClinVar variation 2123451 (VCV002123451.4), dbSNP rs765161650, ClinGen allele CA8601965.